The following is an entry in ClinVar:

ClinVar aggregate classification (germline): Uncertain significance (1 of 4 stars; one submission).

Conditions:
Mucopolysaccharidosis type 7 (MPS7). Also called: SLY SYNDROME; MPS VII; BETA-GLUCURONIDASE DEFICIENCY; GUSB DEFICIENCY. Identifiers: Orphanet 584, MedGen C0085132, MONDO:0009662, OMIM 253220.

Submission:

Labcorp Genetics (formerly Invitae), Labcorp
Classification: Uncertain significance for Mucopolysaccharidosis type 7. Last evaluated: 2021-11-30. Review status: criteria provided, single submitter. Criteria: Invitae Variant Classification Sherloc (09022015). Collection method: clinical testing. Allele origin: germline.
Comment: In summary, the available evidence is currently insufficient to determine the role of this variant in disease. Therefore, it has been classified as a Variant of Uncertain Significance. Algorithms developed to predict the effect of missense changes on protein structure and function (SIFT, PolyPhen-2, Align-GVGD) all suggest that this variant is likely to be disruptive. This variant has not been reported in the literature in individuals affected with GUSB-related conditions. This variant is present in population databases (no rsID available, gnomAD 0.003%). This sequence change replaces asparagine, which is neutral and polar, with tyrosine, which is neutral and polar, at codon 379 of the GUSB protein (p.Asn379Tyr).

NM_000181.4(GUSB):c.1135A>T (p.Asn379Tyr)

Gene: GUSB (glucuronidase beta; minus strand). Cytogenetic location: 7q11.21.
Variant type: single nucleotide variant.
Coding change: c.1135A>T on transcript NM_000181.4 (MANE Select); coding-DNA position 1135, A replaced by T.
Protein change: p.Asn379Tyr; replaces asparagine 379 with tyrosine.
Molecular consequence: missense variant. On other transcripts: non-coding transcript variant (1).
Genome position (GRCh38, 1-based): chr7:65,974,635, T>A on the plus strand (A>T on the coding strand, the complement: GUSB is on the minus strand). VCF-style: chr7-65974635-T-A. GRCh37 (hg19) VCF-style: chr7-65439622-T-A.
Other names: c.478A>T, p.Asn160Tyr (NM_001293105.2); c.697A>T, p.Asn233Tyr (NM_001284290.2); c.565A>T, p.Asn189Tyr (NM_001293104.2); short protein forms N233Y, N379Y, N160Y, N189Y.
Identifiers: ClinVar variation 1497929 (VCV001497929.6), dbSNP rs1207640167, ClinGen allele CA367644091.